The following is an entry in ClinVar:

NM_020778.5(ALPK3):c.605A>C (p.His202Pro)

Gene: ALPK3 (alpha kinase 3; plus strand). Cytogenetic location: 15q25.3.
Variant type: single nucleotide variant.
Coding change: c.605A>C on transcript NM_020778.5 (MANE Select); coding-DNA position 605, A replaced by C.
Protein change: p.His202Pro; replaces histidine 202 with proline.
Molecular consequence: missense variant.
Genome position (GRCh38, 1-based): chr15:84,839,884, A>C. VCF-style: chr15-84839884-A-C. GRCh37 (hg19) VCF-style: chr15-85383115-A-C.
Other names: c.1211A>C (NM_020778.4); short protein forms H202P.
Identifiers: ClinVar variation 1366609 (VCV001366609.7), dbSNP rs761936926, ClinGen allele CA7709009.
Genomic context (GRCh38, chr15:84,839,884, plus strand): 5'-TCGCCAAGTTGAAGCGCAAGGCTGCGGCAAAGCTGCGCGAGATCGAGCAGAGCTGGAAGC[A>C]CGAGAAGGCGGTGCCTGGGGAGGTCGACACTCTGCGCAAGCTCAGCCCCGACCGCTTCCA-3'
Protein context (NP_065829.4, residues 192-212): KLREIEQSWK[His202Pro]EKAVPGEVDT

ClinVar aggregate classification (germline): Uncertain significance. Review status: criteria provided, multiple submitters, no conflicts (2 of 4 stars). 2 submissions from 2 submitters: Uncertain significance (2). Last evaluated 2025-10-24.

Conditions:
Cardiovascular phenotype. Identifiers: MedGen CN230736.

Submissions (2):

Labcorp Genetics (formerly Invitae), Labcorp
Classification: Uncertain significance. Last evaluated: 2025-10-24. Review status: criteria provided, single submitter. Criteria: Invitae Variant Classification Sherloc (09022015). Collection method: clinical testing. Allele origin: germline.
Comment: This sequence change replaces histidine, which is basic and polar, with proline, which is neutral and non-polar, at codon 404 of the ALPK3 protein (p.His404Pro). This variant is present in population databases (rs761936926, gnomAD 0.007%). This variant has not been reported in the literature in individuals affected with ALPK3-related conditions. ClinVar contains an entry for this variant (Variation ID: 1366609). An algorithm developed to predict the effect of missense changes on protein structure and function outputs the following: PolyPhen-2: "Benign". The proline amino acid residue is found in multiple mammalian species, which suggests that this missense change does not adversely affect protein function. In summary, the available evidence is currently insufficient to determine the role of this variant in disease. Therefore, it has been classified as a Variant of Uncertain Significance.

Ambry Genetics
Classification: Uncertain significance for Cardiovascular phenotype. Last evaluated: 2024-04-23. Review status: criteria provided, single submitter. Criteria: Ambry Variant Classification Scheme 2023. Collection method: clinical testing. Allele origin: germline.
Comment: The p.H404P variant (also known as c.1211A>C), located in coding exon 5 of the ALPK3 gene, results from an A to C substitution at nucleotide position 1211. The histidine at codon 404 is replaced by proline, an amino acid with similar properties. This amino acid position is conserved. In addition, this alteration is predicted to be tolerated by in silico analysis. Based on the available evidence, the clinical significance of this variant remains unclear.